The following is an entry in ClinVar:

NM_005431.2(XRCC2):c.199C>T (p.Leu67Phe)

Gene: XRCC2 (X-ray repair cross complementing 2; minus strand). Cytogenetic location: 7q36.1.
Variant type: single nucleotide variant.
Coding change: c.199C>T on transcript NM_005431.2 (MANE Select); coding-DNA position 199, C replaced by T.
Protein change: p.Leu67Phe; replaces leucine 67 with phenylalanine.
Molecular consequence: missense variant.
Genome position (GRCh38, 1-based): chr7:152,649,286, G>A on the plus strand (C>T on the coding strand, the complement: XRCC2 is on the minus strand). VCF-style: chr7-152649286-G-A. GRCh37 (hg19) VCF-style: chr7-152346371-G-A.
Other names: short protein forms L67F.
Identifiers: ClinVar variation 421490 (VCV000421490.6), dbSNP rs757259215, ClinGen allele CA16618437.

ClinVar aggregate classification (germline): Uncertain significance. Review status: criteria provided, multiple submitters, no conflicts (2 of 4 stars). 2 submissions from 2 submitters: Uncertain significance (2). Last evaluated 2025-04-24.

Conditions:
Hereditary cancer-predisposing syndrome. Also called: Hereditary neoplastic syndrome; Neoplastic Syndromes, Hereditary; Tumor predisposition; Hereditary Cancer Syndrome. Identifiers: Orphanet 140162, MedGen C0027672, MeSH D009386, MONDO:0015356.

Allele frequency attached by ClinVar (database versions not stated): gnomAD exomes below 0.00001; TOPMed below 0.00001.
gnomAD v4.1: 1 of 1,613,470 alleles (0.000062%); highest among the groups gnomAD compares: Non-Finnish European, 0.000085%; no homozygotes.

Submissions (2):

Ambry Genetics
Classification: Uncertain significance for Hereditary cancer-predisposing syndrome. Last evaluated: 2025-04-24. Review status: criteria provided, single submitter. Criteria: Ambry Variant Classification Scheme 2023. Collection method: clinical testing. Allele origin: germline.
Comment: The p.L67F variant (also known as c.199C>T), located in coding exon 3 of the XRCC2 gene, results from a C to T substitution at nucleotide position 199. The leucine at codon 67 is replaced by phenylalanine, an amino acid with highly similar properties. This amino acid position is highly conserved in available vertebrate species. In addition, the in silico prediction for this alteration is inconclusive. Since supporting evidence is limited at this time, the clinical significance of this alteration remains unclear.

GeneDx
Classification: Uncertain significance. Last evaluated: 2016-06-20. Review status: criteria provided, single submitter. Criteria: GeneDx Variant Classification (06012015). Collection method: clinical testing. Allele origin: germline. Affected: yes.
Comment: This variant is denoted XRCC2 c.199C>T at the cDNA level, p.Leu67Phe (L67F) at the protein level, and results in the change of a Leucine to a Phenylalanine (CTT>TTT). This variant has not, to our knowledge, been published in the literature as pathogenic or benign. XRCC2 Leu67Phe was not observed in approximately 6,500 individuals of European and African American ancestry in the NHLBI Exome Sequencing Project, suggesting it is not a common benign variant in these populations. Since Leucine and Phenylalanine share similar properties, this is considered a conservative amino acid substitution. XRCC2 Leu67Phe occurs at a position where amino acids with properties similar to Leucine are tolerated across species and is located in the ATPase domain (Kim 2011). In silico analyses predict that this variant is probably damaging to protein structure and function. Based on currently available evidence, it is unclear whether XRCC2 Leu67Phe is a pathogenic or benign variant. We consider it to be a variant of uncertain significance.